The following is an entry in ClinVar:

ClinVar aggregate classification (germline): Conflicting classifications of pathogenicity. Review status: criteria provided, conflicting classifications (1 of 4 stars). 5 submissions from 5 submitters: Uncertain significance (3); Likely benign (2). Last evaluated 2026-02-01.

Conditions:
Cardiovascular phenotype. Identifiers: MedGen CN230736.
Long QT syndrome (LQTS). Identifiers: MedGen C0023976, MeSH D008133, MONDO:0002442. Disease mechanism: loss of function. Inheritance: Various modes of inheritance.

Allele frequency attached by ClinVar (database versions not stated): gnomAD 0.00003; gnomAD exomes 0.00003; ExAC 0.00004; TOPMed 0.00007; ESP Exome Variant Server 0.00023.
gnomAD v4.1: 47 of 1,614,028 alleles (0.0029%); highest among the groups gnomAD compares: Non-Finnish European, 0.0036%; no homozygotes.

Submissions (5):

Labcorp Genetics (formerly Invitae), Labcorp
Classification: Uncertain significance for Long QT syndrome. Last evaluated: 2026-02-01. Review status: criteria provided, single submitter. Criteria: Invitae Variant Classification Sherloc (09022015). Collection method: clinical testing. Allele origin: germline.
Comment: This sequence change replaces aspartic acid, which is acidic and polar, with glycine, which is neutral and non-polar, at codon 3865 of the ANK2 protein (p.Asp3865Gly). This variant is present in population databases (rs140606121, gnomAD 0.008%). This missense change has been observed in individual(s) with clinical features of ANK2-related conditions (PMID: 23631430). ClinVar contains an entry for this variant (Variation ID: 190610). Invitae Evidence Modeling of protein sequence and biophysical properties (such as structural, functional, and spatial information, amino acid conservation, physicochemical variation, residue mobility, and thermodynamic stability) indicates that this missense variant is not expected to disrupt ANK2 protein function with a negative predictive value of 80%. In summary, the available evidence is currently insufficient to determine the role of this variant in disease. Therefore, it has been classified as a Variant of Uncertain Significance.

GeneDx
Classification: Uncertain significance. Last evaluated: 2024-12-26. Review status: criteria provided, single submitter. Criteria: GeneDx Variant Classification Process June 2021. Collection method: clinical testing. Allele origin: germline. Affected: yes.
Comment: In silico analysis indicates that this missense variant does not alter protein structure/function; Reported in individual(s) referred for LQTS genetic testing (PMID: 23631430); This variant is associated with the following publications: (PMID: 23861362, 23631430)

Ambry Genetics
Classification: Likely benign for Cardiovascular phenotype. Last evaluated: 2022-05-10. Review status: criteria provided, single submitter. Criteria: Ambry Variant Classification Scheme 2023. Collection method: clinical testing. Allele origin: germline.

CeGaT Center for Human Genetics Tuebingen
Classification: Uncertain significance. Last evaluated: 2019-06-01. Review status: criteria provided, single submitter. Criteria: CeGaT Center For Human Genetics Tuebingen Variant Classification Criteria Version 2. Collection method: clinical testing. Allele origin: germline. Affected: yes. Observed: 1 variant allele.

Biesecker Lab/Clinical Genomics Section, National Institutes of Health
Classification: Likely benign. Last evaluated: 2013-06-24. Review status: criteria provided, single submitter. Criteria: Ng et al. (Circ Cardiovasc Genet. 2013). Collection method: research. Allele origin: unknown. Observed: 1 variant allele. Study: ClinSeq.
Comment: The study set was not selected for affection status in relation to any cancer. Pathogenicity categories were based on literature curation. See Pubmed ID:23861362 for details.

Medical sequencing

Literature cited by the submitters: PubMed 23631430 (cited by Labcorp Genetics (formerly Invitae), Labcorp and Ambry Genetics); PubMed 23861362 (cited by Ambry Genetics).

NM_001148.6(ANK2):c.11594A>G (p.Asp3865Gly)

Gene: ANK2 (ankyrin 2; plus strand). Cytogenetic location: 4q26.
Variant type: single nucleotide variant.
Coding change: c.11594A>G on transcript NM_001148.6 (MANE Select); coding-DNA position 11594, A replaced by G.
Protein change: p.Asp3865Gly; replaces aspartic acid 3865 with glycine.
Molecular consequence: missense variant.
Genome position (GRCh38, 1-based): chr4:113,369,789, A>G. VCF-style: chr4-113369789-A-G. GRCh37 (hg19) VCF-style: chr4-114290945-A-G.
Other names: p.D3865G:GAT>GGT; c.5312A>G, p.Asp1771Gly (NM_001127493.3); c.5351A>G, p.Asp1784Gly (NM_001354225.2); c.5240A>G, p.Asp1747Gly (NM_001354228.2, NM_001354258.2); c.5318A>G, p.Asp1773Gly (NM_001354230.2); c.5381A>G, p.Asp1794Gly (NM_001354231.2, NM_001354242.2); c.5375A>G, p.Asp1792Gly (NM_001354232.2); c.5336A>G, p.Asp1779Gly (NM_001354235.2, NM_001354246.2, NM_001354265.2); and 36 more; short protein forms D1771G, D3865G, D1705G, D1726G, D1737G, D1759G, D1780G, D1784G.
Identifiers: ClinVar variation 190610 (VCV000190610.55), dbSNP rs140606121, ClinGen allele CA235665.